The following is an entry in ClinVar:

ClinVar aggregate classification (germline): Pathogenic (1 of 4 stars; one submission).

Conditions:
Usher syndrome type 1D (USH1D). Also called: USHER SYNDROME, TYPE ID. Identifiers: Orphanet 231169, Orphanet 886, MedGen C1832845, MONDO:0010984, OMIM 601067.

Submission:

Institute of Rare Diseases, West China Hospital, Sichuan University
Classification: Pathogenic for Usher syndrome type 1D. Last evaluated: 2025-01-09. Review status: criteria provided, single submitter. Criteria: ClinGen HL ACMG Specifications v1. Collection method: research. Allele origin: germline. Affected: yes.
Comment: PVS1;PP1;PP4;PM2_Supporting

NM_022124.6(CDH23):c.9278_9278+3del

Gene: CDH23 (cadherin related 23; plus strand). Cytogenetic location: 10q22.1.
Variant type: Microsatellite.
Coding change: c.9278_9278+3del on transcript NM_022124.6 (MANE Select); coding-DNA position 9278 through 3 bases into the intron after coding-DNA position 9278, 4 bases deleted (TGTG; older notation c.9278_9278+3delTGTG).
Molecular consequence: splice donor variant.
Genome position (GRCh38, 1-based): chr10:71,811,590-71,811,593, TGTG deleted; deleting any 4 consecutive bases within chr10:71,811,588-71,811,593 gives the same sequence; the c. name uses the placement nearest the transcript's 3' end. VCF-style (leftmost placement, unchanged base first): chr10-71811587-CTGTG-C. GRCh37 (hg19) VCF-style: chr10-73571344-CTGTG-C.
Other names: c.2558_2558+3del (NM_001171933.1, NM_001171934.1).
Identifiers: ClinVar variation 3601754 (VCV003601754.1).
Genomic context (GRCh38, chr10:71,811,587, plus strand): 5'-TGGCTATCCTCCTGTTCCTGGCCGCCATGCTCTTTGTCCTCATGAACTGGTACTACAGGA[CTGTG>C]TGAGTGTCCCCCACCCCTGCCATCAGGGGGCCGACCACCTGCTCCCGGATGGCCACGAGG-3'